The following is an entry in ClinVar:

NM_022124.6(CDH23):c.5186C>T (p.Thr1729Met)

Gene: CDH23 (cadherin related 23; plus strand). Cytogenetic location: 10q22.1.
Variant type: single nucleotide variant.
Coding change: c.5186C>T on transcript NM_022124.6 (MANE Select); coding-DNA position 5186, C replaced by T.
Protein change: p.Thr1729Met; replaces threonine 1729 with methionine.
Molecular consequence: missense variant.
Genome position (GRCh38, 1-based): chr10:71,778,307, C>T. VCF-style: chr10-71778307-C-T. GRCh37 (hg19) VCF-style: chr10-73538064-C-T.
Other names: short protein forms T1729M.
Identifiers: ClinVar variation 950853 (VCV000950853.7), dbSNP rs545173038, ClinGen allele CA5545662.

ClinVar aggregate classification (germline): Uncertain significance. Review status: criteria provided, single submitter (1 of 4 stars). 2 submissions from 2 submitters: Uncertain significance (1). 1 of the submissions does not count toward it. Last evaluated 2022-08-06.

Conditions:
Usher syndrome type 1 (USH1). Also called: RETINITIS PIGMENTOSA AND CONGENITAL DEAFNESS. Identifiers: Orphanet 231169, Orphanet 886, MedGen C1568247, MONDO:0010168, OMIM 276900.

Allele frequency attached by ClinVar (database versions not stated): TOPMed 0.00002; ExAC 0.00002; gnomAD 0.00001 and 0.00003; gnomAD exomes 0.00001; 1000 Genomes Project 30x 0.00031; 1000 Genomes Project 0.00040.
gnomAD v4.1: 17 of 1,613,942 alleles (0.0011%); highest among the groups gnomAD compares: East Asian, 0.0045%; no homozygotes.

Submissions (2):

Labcorp Genetics (formerly Invitae), Labcorp
Classification: Uncertain significance. Last evaluated: 2022-08-06. Review status: criteria provided, single submitter. Criteria: Invitae Variant Classification Sherloc (09022015). Collection method: clinical testing. Allele origin: germline.
Comment: This sequence change replaces threonine, which is neutral and polar, with methionine, which is neutral and non-polar, at codon 1729 of the CDH23 protein (p.Thr1729Met). This variant is present in population databases (rs545173038, gnomAD 0.007%). This variant has not been reported in the literature in individuals affected with CDH23-related conditions. ClinVar contains an entry for this variant (Variation ID: 950853). Algorithms developed to predict the effect of missense changes on protein structure and function output the following: SIFT: "Deleterious"; PolyPhen-2: "Not Available"; Align-GVGD: "Class C65". The methionine amino acid residue is found in multiple mammalian species, which suggests that this missense change does not adversely affect protein function. Algorithms developed to predict the effect of sequence changes on RNA splicing suggest that this variant may disrupt the consensus splice site. In summary, the available evidence is currently insufficient to determine the role of this variant in disease. Therefore, it has been classified as a Variant of Uncertain Significance.

Natera, Inc.
Classification: Uncertain significance for Usher syndrome type 1. Last evaluated: 2020-07-21. Review status: no assertion criteria provided. Collection method: clinical testing. Allele origin: germline. Not counted in ClinVar's aggregate classification.